The following is an entry in ClinVar:

NM_003906.5(MCM3AP):c.1183A>G (p.Lys395Glu)

Gene: MCM3AP (minichromosome maintenance complex component 3 associated protein; minus strand). Cytogenetic location: 21q22.3.
Variant type: single nucleotide variant.
Coding change: c.1183A>G on transcript NM_003906.5 (MANE Select); coding-DNA position 1183, A replaced by G.
Protein change: p.Lys395Glu; replaces lysine 395 with glutamic acid.
Molecular consequence: missense variant.
Genome position (GRCh38, 1-based): chr21:46,284,104, T>C on the plus strand (A>G on the coding strand, the complement: MCM3AP is on the minus strand). VCF-style: chr21-46284104-T-C. GRCh37 (hg19) VCF-style: chr21-47704018-T-C.
Other names: c.1183A>G (NM_003906.3); short protein forms K395E.
Identifiers: ClinVar variation 1923963 (VCV001923963.6), dbSNP rs779667915, ClinGen allele CA10077174.

ClinVar aggregate classification (germline): Uncertain significance. Review status: criteria provided, multiple submitters, no conflicts (2 of 4 stars). 2 submissions from 2 submitters: Uncertain significance (2). Last evaluated 2024-11-08.

Conditions:
Inborn genetic diseases. Identifiers: MedGen C0950123, MeSH D030342.

Allele frequency attached by ClinVar (database versions not stated): TOPMed 0.00001; gnomAD exomes 0.00002; ExAC 0.00004.
gnomAD v4.1: 26 of 1,613,918 alleles (0.0016%); highest among the groups gnomAD compares: South Asian, 0.024%; no homozygotes.

Submissions (2):

Ambry Genetics
Classification: Uncertain significance for Inborn genetic diseases. Last evaluated: 2024-11-08. Review status: criteria provided, single submitter. Criteria: Ambry Variant Classification Scheme 2023. Collection method: clinical testing. Allele origin: germline.

Labcorp Genetics (formerly Invitae), Labcorp
Classification: Uncertain significance. Last evaluated: 2022-11-22. Review status: criteria provided, single submitter. Criteria: Invitae Variant Classification Sherloc (09022015). Collection method: clinical testing. Allele origin: germline.
Comment: In summary, the available evidence is currently insufficient to determine the role of this variant in disease. Therefore, it has been classified as a Variant of Uncertain Significance. Algorithms developed to predict the effect of missense changes on protein structure and function are either unavailable or do not agree on the potential impact of this missense change (SIFT: "Deleterious"; PolyPhen-2: "Probably Damaging"; Align-GVGD: "Class C0"). This variant has not been reported in the literature in individuals affected with MCM3AP-related conditions. This variant is present in population databases (rs779667915, gnomAD 0.03%). This sequence change replaces lysine, which is basic and polar, with glutamic acid, which is acidic and polar, at codon 395 of the MCM3AP protein (p.Lys395Glu).